The following is an entry in ClinVar:

NM_001933.5(DLST):c.316A>G (p.Ile106Val)

Gene: DLST (dihydrolipoamide S-succinyltransferase; plus strand). Cytogenetic location: 14q24.3.
Variant type: single nucleotide variant.
Coding change: c.316A>G on transcript NM_001933.5 (MANE Select); coding-DNA position 316, A replaced by G.
Protein change: p.Ile106Val; replaces isoleucine 106 with valine.
Molecular consequence: missense variant. On other transcripts: non-coding transcript variant (1).
Genome position (GRCh38, 1-based): chr14:74,889,938, A>G. VCF-style: chr14-74889938-A-G. GRCh37 (hg19) VCF-style: chr14-75356641-A-G.
Other names: c.316A>G, p.Ile106Val (NM_001244883.2); short protein forms I106V.
Identifiers: ClinVar variation 2634746 (VCV002634746.4), dbSNP rs375575781, ClinGen allele CA7273436.

ClinVar aggregate classification (germline): Uncertain significance. Review status: criteria provided, multiple submitters, no conflicts (2 of 4 stars). 3 submissions from 3 submitters: Uncertain significance (3). Last evaluated 2025-01-01.

Conditions:
DLST-related disorder. Also called: DLST-related condition.

Allele frequency attached by ClinVar (database versions not stated): ExAC 0.00001; gnomAD exomes 0.00001; gnomAD 0.00002; TOPMed 0.00002; ESP Exome Variant Server 0.00008.
gnomAD v4.1: 20 of 1,613,744 alleles (0.0012%); highest among the groups gnomAD compares: Admixed American, 0.0017%; no homozygotes.

Submissions (3):

Ambry Genetics
Classification: Uncertain significance. Last evaluated: 2025-01-01. Review status: criteria provided, single submitter. Criteria: Ambry Variant Classification Scheme 2023. Collection method: clinical testing. Allele origin: germline.

Labcorp Genetics (formerly Invitae), Labcorp
Classification: Uncertain significance. Last evaluated: 2024-02-15. Review status: criteria provided, single submitter. Criteria: Invitae Variant Classification Sherloc (09022015). Collection method: clinical testing. Allele origin: germline.
Comment: This sequence change replaces isoleucine, which is neutral and non-polar, with valine, which is neutral and non-polar, at codon 106 of the DLST protein (p.Ile106Val). This variant is present in population databases (rs375575781, gnomAD 0.002%). This variant has not been reported in the literature in individuals affected with DLST-related conditions. ClinVar contains an entry for this variant (Variation ID: 2634746). Advanced modeling of protein sequence and biophysical properties (such as structural, functional, and spatial information, amino acid conservation, physicochemical variation, residue mobility, and thermodynamic stability) performed at Invitae indicates that this missense variant is not expected to disrupt DLST protein function with a negative predictive value of 80%. In summary, the available evidence is currently insufficient to determine the role of this variant in disease. Therefore, it has been classified as a Variant of Uncertain Significance.

PreventionGenetics, part of Exact Sciences
Classification: Uncertain significance for DLST-related condition. Last evaluated: 2022-10-04. Review status: criteria provided, single submitter. Criteria: ACMG Guidelines, 2015. Collection method: clinical testing. Allele origin: germline.
Comment: The DLST c.316A>G variant is predicted to result in the amino acid substitution p.Ile106Val. To our knowledge, this variant has not been reported in the literature. This variant is reported in 0.0015% of alleles in individuals of European (Non-Finnish) descent in gnomAD. At this time, the clinical significance of this variant is uncertain due to the absence of conclusive functional and genetic evidence.